The following is an entry in ClinVar:

ClinVar aggregate classification (germline): Uncertain significance. Review status: criteria provided, multiple submitters, no conflicts (2 of 4 stars). 2 submissions from 2 submitters: Uncertain significance (2). Last evaluated 2025-12-02.

Conditions:
Cyclical neutropenia. Also called: Cyclic hematopoiesis; Cyclic Neutropenia. Identifiers: Orphanet 2686, MedGen C0221023, MONDO:0008090, OMIM 162800, HP:0040289. Disease mechanism: loss of function.
Inborn genetic diseases. Identifiers: MedGen C0950123, MeSH D030342.

gnomAD v4.1: 3 of 1,600,370 alleles (0.00019%); highest among the groups gnomAD compares: South Asian, 0.0022%; no homozygotes.

Submissions (2):

Ambry Genetics
Classification: Uncertain significance for Inborn genetic diseases. Last evaluated: 2025-12-02. Review status: criteria provided, single submitter. Criteria: Ambry Variant Classification Scheme 2023. Collection method: clinical testing. Allele origin: germline.
Comment: The p.A131G variant (also known as c.392C>G), located in coding exon 4 of the ELANE gene, results from a C to G substitution at nucleotide position 392. The alanine at codon 131 is replaced by glycine, an amino acid with similar properties. This amino acid position is conserved. In addition, this alteration is predicted to be tolerated by in silico analysis. Based on the available evidence, the clinical significance of this variant remains unclear.

Neuberg Centre For Genomic Medicine, NCGM
Classification: Uncertain significance for Cyclical neutropenia. Review status: criteria provided, single submitter. Criteria: ACMG Guidelines, 2015. Collection method: clinical testing. Allele origin: germline. Inheritance: Autosomal dominant inheritance. Affected: yes.
Comment: The missense variant c.392C>G (p.Ala131Gly) in the ELANE gene has not been reported previously as a pathogenic variant nor as a benign variant, to our knowledge. This variant is reported absent in the gnomAD Exomes. The amino acid Alanine at position 131 is changed to a Glycine changing protein sequence and it might alter its composition and physico-chemical properties. Multiple lines of computational evidence (Polyphen - Benign, SIFT - Tolerated and MutationTaster-Polymorphism) predict no damaging effect on protein structure and function for this variant. The amino acid change p.Ala131Gly in ELANE is predicted as conserved by GERP++ and PhyloP across 100 vertebrates. For these reasons, this variant has been classified as Uncertain Significance.

NM_001972.4(ELANE):c.392C>G (p.Ala131Gly)

Gene: ELANE (elastase, neutrophil expressed; plus strand). Cytogenetic location: 19p13.3.
Variant type: single nucleotide variant.
Coding change: c.392C>G on transcript NM_001972.4 (MANE Select); coding-DNA position 392, C replaced by G.
Protein change: p.Ala131Gly; replaces alanine 131 with glycine.
Molecular consequence: missense variant.
Genome position (GRCh38, 1-based): chr19:855,589, C>G. VCF-style: chr19-855589-C-G. GRCh37 (hg19) VCF-style: chr19-855589-C-G.
Other names: short protein forms A131G.
Identifiers: ClinVar variation 3362826 (VCV003362826.4).